The following is an entry in ClinVar:

ClinVar aggregate classification (germline): Uncertain significance (1 of 4 stars; one submission).

Conditions:
NCOR1-related disorder. Also called: NCOR1-related condition.

Submission:

PreventionGenetics, part of Exact Sciences
Classification: Uncertain significance for NCOR1-related condition. Last evaluated: 2026-03-08. Review status: criteria provided, single submitter. Criteria: ACMG Guidelines, 2015. Collection method: clinical testing. Allele origin: germline.
Comment: The NCOR1 c.5132G>A variant is predicted to result in the amino acid substitution p.Ser1711Asn. To our knowledge, this variant has not been reported in the literature or in a large population database (gnomAD), indicating this variant is rare. At this time, the clinical significance of this variant is uncertain due to the absence of conclusive functional and genetic evidence.

NM_006311.4(NCOR1):c.5132G>A (p.Ser1711Asn)

Gene: NCOR1 (nuclear receptor corepressor 1; minus strand). Cytogenetic location: 17p12.
Variant type: single nucleotide variant.
Coding change: c.5132G>A on transcript NM_006311.4 (MANE Select); coding-DNA position 5132, G replaced by A.
Protein change: p.Ser1711Asn; replaces serine 1711 with asparagine.
Molecular consequence: missense variant.
Genome position (GRCh38, 1-based): chr17:16,064,157, C>T on the plus strand (G>A on the coding strand, the complement: NCOR1 is on the minus strand). VCF-style: chr17-16064157-C-T. GRCh37 (hg19) VCF-style: chr17-15967471-C-T.
Other names: c.5180G>A, p.Ser1727Asn (NM_001190440.2, NM_001439115.1); c.5354G>A, p.Ser1785Asn (NM_001439111.1); c.5210G>A, p.Ser1737Asn (NM_001439112.1); c.5207G>A, p.Ser1736Asn (NM_001439113.1); c.5183G>A, p.Ser1728Asn (NM_001439114.1); c.5135G>A, p.Ser1712Asn (NM_001439116.1); short protein forms S1737N, S1785N, S1712N, S1727N, S1728N, S1711N, S1736N.
Identifiers: ClinVar variation 4995448 (VCV004995448.1).